The following is an entry in ClinVar:

NM_001385125.1(OPN1SW):c.754G>C (p.Val252Leu)

Gene: OPN1SW (opsin 1, short wave sensitive; minus strand). Cytogenetic location: 7q32.1.
Variant type: single nucleotide variant.
Coding change: c.754G>C on transcript NM_001385125.1 (MANE Select); coding-DNA position 754, G replaced by C.
Protein change: p.Val252Leu; replaces valine 252 with leucine.
Molecular consequence: missense variant.
Genome position (GRCh38, 1-based): chr7:128,773,813, C>G on the plus strand (G>C on the coding strand, the complement: OPN1SW is on the minus strand). VCF-style: chr7-128773813-C-G. GRCh37 (hg19) VCF-style: chr7-128413867-C-G.
Other names: NM_001708.2:c.763G>C; short protein forms V252L.
Identifiers: ClinVar variation 1515781 (VCV001515781.9), dbSNP rs138093200, ClinGen allele CA4472842.
Genomic context (GRCh38, chr7:128,773,813, plus strand): 5'-TGTTGACCATGTACATGGCGAAGGCCGCGTAGGGCACGTAGCAGACACAGAAGGATCCTA[C>G]CATCACAACCACCATGCGGCTCACCTCCCGTTCAGCCTTCTGGGTCGTAGCTGACTCCTG-3'
Protein context (NP_001372054.1, residues 242-262): REVSRMVVVM[Val252Leu]GSFCVCYVPY

ClinVar aggregate classification (germline): Uncertain significance. Review status: criteria provided, multiple submitters, no conflicts (2 of 4 stars). 2 submissions from 2 submitters: Uncertain significance (2). Last evaluated 2024-10-01.

Allele frequency attached by ClinVar (database versions not stated): gnomAD exomes below 0.00001 and 0.00001; ExAC 0.00003; gnomAD 0.00004; TOPMed 0.00005; ESP Exome Variant Server 0.00015; 1000 Genomes Project 30x 0.00031; 1000 Genomes Project 0.00040.
gnomAD v4.1: 9 of 1,614,140 alleles (0.00056%); highest among the groups gnomAD compares: African/African-American, 0.011%; no homozygotes.

Submissions (2):

Ambry Genetics
Classification: Uncertain significance. Last evaluated: 2024-10-01. Review status: criteria provided, single submitter. Criteria: Ambry Variant Classification Scheme 2023. Collection method: clinical testing. Allele origin: germline.

Labcorp Genetics (formerly Invitae), Labcorp
Classification: Uncertain significance. Last evaluated: 2024-02-17. Review status: criteria provided, single submitter. Criteria: Invitae Variant Classification Sherloc (09022015). Collection method: clinical testing. Allele origin: germline.
Comment: This sequence change replaces valine, which is neutral and non-polar, with leucine, which is neutral and non-polar, at codon 255 of the OPN1SW protein (p.Val255Leu). This variant is present in population databases (rs138093200, gnomAD 0.02%). This variant has not been reported in the literature in individuals affected with OPN1SW-related conditions. ClinVar contains an entry for this variant (Variation ID: 1515781). An algorithm developed to predict the effect of missense changes on protein structure and function (PolyPhen-2) suggests that this variant is likely to be disruptive. In summary, the available evidence is currently insufficient to determine the role of this variant in disease. Therefore, it has been classified as a Variant of Uncertain Significance.